The following is an entry in ClinVar:

NM_015178.3(RHOBTB2):c.1067G>T (p.Gly356Val)

Gene: RHOBTB2 (Rho related BTB domain containing 2; plus strand). Cytogenetic location: 8p21.3.
Variant type: single nucleotide variant.
Coding change: c.1067G>T on transcript NM_015178.3 (MANE Select); coding-DNA position 1067, G replaced by T.
Protein change: p.Gly356Val; replaces glycine 356 with valine.
Molecular consequence: missense variant.
Genome position (GRCh38, 1-based): chr8:23,007,312, G>T. VCF-style: chr8-23007312-G-T. GRCh37 (hg19) VCF-style: chr8-22864825-G-T.
Other names: c.1133G>T, p.Gly378Val (NM_001160036.2); c.1088G>T, p.Gly363Val (NM_001160037.2); c.1067G>T, p.Gly356Val (NM_001374791.1); short protein forms G356V, G363V, G378V.
Identifiers: ClinVar variation 2572842 (VCV002572842.2), dbSNP rs766921853, ClinGen allele CA370567403.

ClinVar aggregate classification (germline): Uncertain significance (1 of 4 stars; one submission).

gnomAD v4.1: 1 of 1,613,716 alleles (0.000062%); no homozygotes.

Submission:

GeneDx
Classification: Uncertain significance. Last evaluated: 2024-01-03. Review status: criteria provided, single submitter. Criteria: GeneDx Variant Classification Process June 2021. Collection method: clinical testing. Allele origin: germline. Affected: yes.
Comment: Not observed at significant frequency in large population cohorts (gnomAD); In silico analysis supports that this missense variant does not alter protein structure/function; Has not been previously published as pathogenic or benign to our knowledge